The following is an entry in ClinVar:

NM_006129.5(BMP1):c.158T>C (p.Leu53Pro)

Gene: BMP1 (bone morphogenetic protein 1; plus strand). Cytogenetic location: 8p21.3.
Variant type: single nucleotide variant.
Coding change: c.158T>C on transcript NM_006129.5 (MANE Select); coding-DNA position 158, T replaced by C.
Protein change: p.Leu53Pro; replaces leucine 53 with proline.
Molecular consequence: missense variant. On other transcripts: non-coding transcript variant (2).
Genome position (GRCh38, 1-based): chr8:22,173,611, T>C. VCF-style: chr8-22173611-T-C. GRCh37 (hg19) VCF-style: chr8-22031124-T-C.
Other names: c.158T>C, p.Leu53Pro (NM_001199.4); short protein forms L53P.
Identifiers: ClinVar variation 3390270 (VCV003390270.14).
Genomic context (GRCh38, chr8:22,173,611, plus strand): 5'-AGGGCTGGGTAGGAGGATTAACTCAGCCCTGGCTTCTTCTTTTCTCTTTAGCTGCCTTTC[T>C]TGGGGACATTGCCCTGGACGAAGAGGACCTGAGGGCCTTCCAGGTACAGCAGGCTGTGGA-3'
Protein context (NP_006120.1, residues 43-63): YKDPCKAAAF[Leu53Pro]GDIALDEEDL

ClinVar aggregate classification (germline): Uncertain significance (1 of 4 stars; one submission).

gnomAD v4.1: 12 of 1,610,728 alleles (0.00075%); highest among the groups gnomAD compares: Non-Finnish European, 0.001%; no homozygotes.

Submission:

CeGaT Center for Human Genetics Tuebingen
Classification: Uncertain significance. Last evaluated: 2024-12-01. Review status: criteria provided, single submitter. Criteria: CeGaT Center For Human Genetics Tuebingen Variant Classification Criteria Version 2. Collection method: clinical testing. Allele origin: germline. Affected: yes. Observed: 2 variant alleles.
Comment: BMP1: PM2, PM3:Supporting, PP3